The following is an entry in ClinVar:

ClinVar aggregate classification (germline): Uncertain significance (1 of 4 stars; one submission).

Conditions:
Early-infantile DEE. Also called: Ohtahara syndrome; Early infantile epileptic encephalopathy with suppression bursts; Early infantile epileptic encephalopathy. Identifiers: Orphanet 1934, MedGen C0393706, MONDO:0800491.

Submission:

Labcorp Genetics (formerly Invitae), Labcorp
Classification: Uncertain significance for Early-infantile DEE. Last evaluated: 2024-05-06. Review status: criteria provided, single submitter. Criteria: Invitae Variant Classification Sherloc (09022015). Collection method: clinical testing. Allele origin: germline.
Comment: This sequence change replaces serine, which is neutral and polar, with threonine, which is neutral and polar, at codon 527 of the HCN1 protein (p.Ser527Thr). This variant is not present in population databases (gnomAD no frequency). This variant has not been reported in the literature in individuals affected with HCN1-related conditions. Advanced modeling of protein sequence and biophysical properties (such as structural, functional, and spatial information, amino acid conservation, physicochemical variation, residue mobility, and thermodynamic stability) performed at Invitae indicates that this missense variant is not expected to disrupt HCN1 protein function with a negative predictive value of 80%. In summary, the available evidence is currently insufficient to determine the role of this variant in disease. Therefore, it has been classified as a Variant of Uncertain Significance.

NM_021072.4(HCN1):c.1580G>C (p.Ser527Thr)

Gene: HCN1 (hyperpolarization activated cyclic nucleotide gated potassium channel 1; minus strand). Cytogenetic location: 5p12.
Variant type: single nucleotide variant.
Coding change: c.1580G>C on transcript NM_021072.4 (MANE Select); coding-DNA position 1580, G replaced by C.
Protein change: p.Ser527Thr; replaces serine 527 with threonine.
Molecular consequence: missense variant.
Genome position (GRCh38, 1-based): chr5:45,303,637, C>G on the plus strand (G>C on the coding strand, the complement: HCN1 is on the minus strand). VCF-style: chr5-45303637-C-G. GRCh37 (hg19) VCF-style: chr5-45303739-C-G.
Other names: short protein forms S527T.
Identifiers: ClinVar variation 2700889 (VCV002700889.3), dbSNP rs2478271526, ClinGen allele CA359702404.